The following is an entry in ClinVar:

NM_015294.6(TRIM37):c.1960C>T (p.Arg654Ter)

Gene: TRIM37 (tripartite motif containing 37; minus strand). Cytogenetic location: 17q22.
Variant type: single nucleotide variant.
Coding change: c.1960C>T on transcript NM_015294.6 (MANE Select); coding-DNA position 1960, C replaced by T.
Protein change: p.Arg654Ter; replaces arginine 654 with a stop codon.
Molecular consequence: nonsense. On other transcripts: non-coding transcript variant (2).
Genome position (GRCh38, 1-based): chr17:59,028,712, G>A on the plus strand (C>T on the coding strand, the complement: TRIM37 is on the minus strand). VCF-style: chr17-59028712-G-A. GRCh37 (hg19) VCF-style: chr17-57106073-G-A.
Other names: c.1960C>T, p.Arg654Ter (NM_001005207.5, NM_001320988.3, NM_001320989.3 and 1 more transcripts); c.1858C>T, p.Arg620Ter (NM_001320987.3, NM_001353082.2); c.1594C>T, p.Arg532Ter (NM_001320990.3); c.1225C>T, p.Arg409Ter (NM_001353083.2); c.1498C>T, p.Arg500Ter (NM_001353085.2); c.1909C>T, p.Arg637Ter (NM_001353086.2); short protein forms R532*, R409*, R620*, R637*, R654*, R500*.
Identifiers: ClinVar variation 2883873 (VCV002883873.5), dbSNP rs759348667, ClinGen allele CA8678157.

ClinVar aggregate classification (germline): Pathogenic/Likely pathogenic. Review status: criteria provided, multiple submitters, no conflicts (2 of 4 stars). 2 submissions from 2 submitters: Pathogenic (1); Likely pathogenic (1). Last evaluated 2024-03-27.

Conditions:
Mulibrey nanism syndrome. Also called: MUSCLE-LIVER-BRAIN-EYE NANISM; PERHEENTUPA SYNDROME; PERICARDIAL CONSTRICTION AND GROWTH FAILURE. Identifiers: Orphanet 2576, MedGen C0524582, MONDO:0009664, OMIM 253250.

Allele frequency attached by ClinVar (database versions not stated): TOPMed below 0.00001; ExAC 0.00001; gnomAD 0.00001; gnomAD exomes 0.00002.
gnomAD v4.1: 34 of 1,613,848 alleles (0.0021%); highest among the groups gnomAD compares: Non-Finnish European, 0.0028%; no homozygotes.

Submissions (2):

Labcorp Genetics (formerly Invitae), Labcorp
Classification: Pathogenic. Last evaluated: 2024-03-27. Review status: criteria provided, single submitter. Criteria: Invitae Variant Classification Sherloc (09022015). Collection method: clinical testing. Allele origin: germline.
Comment: This sequence change creates a premature translational stop signal (p.Arg654*) in the TRIM37 gene. It is expected to result in an absent or disrupted protein product. Loss-of-function variants in TRIM37 are known to be pathogenic (PMID: 10888877, 15108285). This variant is present in population databases (rs759348667, gnomAD 0.0009%). This variant has not been reported in the literature in individuals affected with TRIM37-related conditions. For these reasons, this variant has been classified as Pathogenic.

Juno Genomics, Hangzhou Juno Genomics, Inc
Classification: Likely pathogenic for Mulibrey nanism syndrome. Review status: criteria provided, single submitter. Criteria: ACMG Guidelines, 2015. Collection method: clinical testing. Allele origin: germline.
Comment: Absent from controls (or at extremely low frequency if recessive) in Genome Aggregation Database.;Null variant in a gene where loss of function (LOF) is a known mechanism of disease.

Literature cited by the submitters: PubMed 10888877 (cited by Labcorp Genetics (formerly Invitae), Labcorp); PubMed 15108285 (cited by Labcorp Genetics (formerly Invitae), Labcorp).